The following is an entry in ClinVar:

NM_182961.4(SYNE1):c.11892C>A (p.Ala3964=)

Gene: SYNE1 (spectrin repeat containing nuclear envelope protein 1; minus strand). Cytogenetic location: 6q25.2.
Variant type: single nucleotide variant.
Coding change: c.11892C>A on transcript NM_182961.4 (MANE Select); coding-DNA position 11892, C replaced by A.
Protein change: p.Ala3964=; no amino-acid change (alanine 3964 retained).
Molecular consequence: synonymous variant. On other transcripts: intron variant (1).
Genome position (GRCh38, 1-based): chr6:152,350,177, G>T on the plus strand (C>A on the coding strand, the complement: SYNE1 is on the minus strand). VCF-style: chr6-152350177-G-T. GRCh37 (hg19) VCF-style: chr6-152671312-G-T.
Other names: c.11688+441C>A (NM_033071.5).
Identifiers: ClinVar variation 1807160 (VCV001807160.2), dbSNP rs2487563236, ClinGen allele CA452971678.

ClinVar aggregate classification (germline): Uncertain significance (1 of 4 stars; one submission).

Submission:

Athena Diagnostics
Classification: Uncertain significance. Last evaluated: 2024-08-02. Review status: criteria provided, single submitter. Criteria: Athena Diagnostics Criteria. Collection method: clinical testing. Allele origin: unknown.
Comment: Available data are insufficient to determine the clinical significance of the variant at this time. This variant has not been reported in large, multi-ethnic general populations. Computational tools yielded predictions that this variant is unlikely to have an effect on normal RNA splicing.